The following is an entry in ClinVar:

ClinVar aggregate classification (germline): Uncertain significance. Review status: criteria provided, multiple submitters, no conflicts (2 of 4 stars). 2 submissions from 2 submitters: Uncertain significance (2). Last evaluated 2025-08-26.

Conditions:
Inborn genetic diseases. Identifiers: MedGen C0950123, MeSH D030342.

Allele frequency attached by ClinVar (database versions not stated): gnomAD exomes below 0.00001; ExAC 0.00001.
gnomAD v4.1: 1 of 1,613,432 alleles (0.000062%); highest among the groups gnomAD compares: Non-Finnish European, 0.000085%; no homozygotes.

Submissions (2):

Ambry Genetics
Classification: Uncertain significance for Inborn genetic diseases. Last evaluated: 2025-08-26. Review status: criteria provided, single submitter. Criteria: Ambry Variant Classification Scheme 2023. Collection method: clinical testing. Allele origin: germline.

Labcorp Genetics (formerly Invitae), Labcorp
Classification: Uncertain significance. Last evaluated: 2022-10-26. Review status: criteria provided, single submitter. Criteria: Invitae Variant Classification Sherloc (09022015). Collection method: clinical testing. Allele origin: germline.
Comment: Advanced modeling of protein sequence and biophysical properties (such as structural, functional, and spatial information, amino acid conservation, physicochemical variation, residue mobility, and thermodynamic stability) performed at Invitae indicates that this missense variant is not expected to disrupt ABCC6 protein function. This variant has not been reported in the literature in individuals affected with ABCC6-related conditions. The frequency data for this variant in the population databases is considered unreliable, as metrics indicate poor data quality at this position in the gnomAD database. This sequence change replaces alanine, which is neutral and non-polar, with threonine, which is neutral and polar, at codon 1370 of the ABCC6 protein (p.Ala1370Thr). In summary, the available evidence is currently insufficient to determine the role of this variant in disease. Therefore, it has been classified as a Variant of Uncertain Significance.

NM_001171.6(ABCC6):c.4108G>A (p.Ala1370Thr)

Gene: ABCC6 (ATP binding cassette subfamily C member 6; minus strand). Cytogenetic location: 16p13.11.
Variant type: single nucleotide variant.
Coding change: c.4108G>A on transcript NM_001171.6 (MANE Select); coding-DNA position 4108, G replaced by A.
Protein change: p.Ala1370Thr; replaces alanine 1370 with threonine.
Molecular consequence: missense variant. On other transcripts: non-coding transcript variant (1).
Genome position (GRCh38, 1-based): chr16:16,154,728, C>T on the plus strand (G>A on the coding strand, the complement: ABCC6 is on the minus strand). VCF-style: chr16-16154728-C-T. GRCh37 (hg19) VCF-style: chr16-16248585-C-T.
Other names: c.3766G>A, p.Ala1256Thr (NM_001351800.1); c.4108G>A (NM_001171.5); short protein forms A1256T, A1370T.
Identifiers: ClinVar variation 1721175 (VCV001721175.6), dbSNP rs777835756, ClinGen allele CA7925309.